The following is an entry in ClinVar:

ClinVar aggregate classification (germline): Uncertain significance (1 of 4 stars; one submission).

Conditions:
NPHP4-related disorder. Also called: NPHP4-related condition; NPHP4-related disorders. Identifiers: MedGen CN239384.

gnomAD v4.1: 1 of 1,613,906 alleles (0.000062%); highest among the groups gnomAD compares: Admixed American, 0.0017%; no homozygotes.

Submission:

PreventionGenetics, part of Exact Sciences
Classification: Uncertain significance for NPHP4-related condition. Last evaluated: 2026-06-30. Review status: criteria provided, single submitter. Criteria: ACMG Guidelines, 2015. Collection method: clinical testing. Allele origin: germline.
Comment: The NPHP4 c.1753C>G variant is predicted to result in the amino acid substitution p.Gln585Glu. To our knowledge, this variant has not been reported in the literature. This variant is reported in 0.0029% of alleles in individuals of Latino descent in gnomAD. At this time, the clinical significance of this variant is uncertain due to the absence of conclusive functional and genetic evidence.

NM_015102.5(NPHP4):c.1753C>G (p.Gln585Glu)

Gene: NPHP4 (nephrocystin 4; minus strand). Cytogenetic location: 1p36.31.
Variant type: single nucleotide variant.
Coding change: c.1753C>G on transcript NM_015102.5 (MANE Select); coding-DNA position 1753, C replaced by G.
Protein change: p.Gln585Glu; replaces glutamine 585 with glutamic acid.
Molecular consequence: missense variant. On other transcripts: non-coding transcript variant (1).
Genome position (GRCh38, 1-based): chr1:5,905,642, G>C on the plus strand (C>G on the coding strand, the complement: NPHP4 is on the minus strand). VCF-style: chr1-5905642-G-C. GRCh37 (hg19) VCF-style: chr1-5965702-G-C.
Other names: c.214C>G, p.Gln72Glu (NM_001291593.2); c.217C>G, p.Gln73Glu (NM_001291594.2); short protein forms Q585E, Q72E, Q73E.
Identifiers: ClinVar variation 4977749 (VCV004977749.1).